The following is an entry in ClinVar:

ClinVar aggregate classification (germline): Uncertain significance. Review status: criteria provided, multiple submitters, no conflicts (2 of 4 stars). 2 submissions from 2 submitters: Uncertain significance (2). Last evaluated 2025-12-10.

Conditions:
Hereditary cancer-predisposing syndrome. Also called: Tumor predisposition; Hereditary Cancer Syndrome; Hereditary neoplastic syndrome; Neoplastic Syndromes, Hereditary. Identifiers: Orphanet 140162, MedGen C0027672, MeSH D009386, MONDO:0015356.

Submissions (2):

Ambry Genetics
Classification: Uncertain significance for Hereditary cancer-predisposing syndrome. Last evaluated: 2025-12-10. Review status: criteria provided, single submitter. Criteria: Ambry Variant Classification Scheme 2023. Collection method: clinical testing. Allele origin: germline.
Comment: The p.L165V variant (also known as c.493C>G), located in coding exon 3 of the NTHL1 gene, results from a C to G substitution at nucleotide position 493. The leucine at codon 165 is replaced by valine, an amino acid with highly similar properties. This amino acid position is conserved. In addition, the in silico prediction for this alteration is inconclusive. Based on the available evidence, the clinical significance of this variant remains unclear.

Labcorp Genetics (formerly Invitae), Labcorp
Classification: Uncertain significance. Last evaluated: 2023-11-28. Review status: criteria provided, single submitter. Criteria: Invitae Variant Classification Sherloc (09022015). Collection method: clinical testing. Allele origin: germline.
Comment: This sequence change replaces leucine, which is neutral and non-polar, with valine, which is neutral and non-polar, at codon 165 of the NTHL1 protein (p.Leu165Val). This variant is not present in population databases (gnomAD no frequency). This variant has not been reported in the literature in individuals affected with NTHL1-related conditions. ClinVar contains an entry for this variant (Variation ID: 1471157). An algorithm developed to predict the effect of missense changes on protein structure and function (PolyPhen-2) suggests that this variant is likely to be tolerated. In summary, the available evidence is currently insufficient to determine the role of this variant in disease. Therefore, it has been classified as a Variant of Uncertain Significance.

NM_002528.7(NTHL1):c.469C>G (p.Leu157Val)

Gene: NTHL1 (nth like DNA glycosylase 1; minus strand). Cytogenetic location: 16p13.3.
Variant type: single nucleotide variant.
Coding change: c.469C>G on transcript NM_002528.7 (MANE Select); coding-DNA position 469, C replaced by G.
Protein change: p.Leu157Val; replaces leucine 157 with valine.
Molecular consequence: missense variant. On other transcripts: intron variant (1).
Genome position (GRCh38, 1-based): chr16:2,044,686, G>C on the plus strand (C>G on the coding strand, the complement: NTHL1 is on the minus strand). VCF-style: chr16-2044686-G-C. GRCh37 (hg19) VCF-style: chr16-2094687-G-C.
Other names: c.493C>G (NM_002528.5); c.139C>G, p.Leu47Val (NM_001318194.2); c.355-960C>G (NM_001318193.2); short protein forms L47V, L157V.
Identifiers: ClinVar variation 1471157 (VCV001471157.7), dbSNP rs2150942273, ClinGen allele CA394294228.